The following is an entry in ClinVar:

NM_006612.6(KIF1C):c.2522C>T (p.Thr841Met)

Gene: KIF1C (kinesin family member 1C; plus strand). Cytogenetic location: 17p13.2.
Variant type: single nucleotide variant.
Coding change: c.2522C>T on transcript NM_006612.6 (MANE Select); coding-DNA position 2522, C replaced by T.
Protein change: p.Thr841Met; replaces threonine 841 with methionine.
Molecular consequence: missense variant.
Genome position (GRCh38, 1-based): chr17:5,022,603, C>T. VCF-style: chr17-5022603-C-T. GRCh37 (hg19) VCF-style: chr17-4925898-C-T.
Other names: short protein forms T841M.
Identifiers: ClinVar variation 578726 (VCV000578726.7), dbSNP rs780729030, ClinGen allele CA8319312.

ClinVar aggregate classification (germline): Uncertain significance. Review status: criteria provided, multiple submitters, no conflicts (2 of 4 stars). 2 submissions from 2 submitters: Uncertain significance (2). Last evaluated 2025-02-19.

Conditions:
Inborn genetic diseases. Identifiers: MedGen C0950123, MeSH D030342.
Spastic ataxia 2. Also called: Ataxia, spastic, 2, autosomal recessive. Identifiers: Orphanet 397946, MedGen C1969796, MONDO:0012651, OMIM 611302.

Allele frequency attached by ClinVar (database versions not stated): gnomAD 0.00003; TOPMed 0.00004; gnomAD exomes 0.00005 and 0.00012; ExAC 0.00021.
gnomAD v4.1: 76 of 1,605,754 alleles (0.0047%); highest among the groups gnomAD compares: Admixed American, 0.046%; no homozygotes.

Submissions (2):

Ambry Genetics
Classification: Uncertain significance for Inborn genetic diseases. Last evaluated: 2025-02-19. Review status: criteria provided, single submitter. Criteria: Ambry Variant Classification Scheme 2023. Collection method: clinical testing. Allele origin: germline.

Labcorp Genetics (formerly Invitae), Labcorp
Classification: Uncertain significance for Spastic ataxia 2. Last evaluated: 2022-06-04. Review status: criteria provided, single submitter. Criteria: Invitae Variant Classification Sherloc (09022015). Collection method: clinical testing. Allele origin: germline.
Comment: This sequence change replaces threonine, which is neutral and polar, with methionine, which is neutral and non-polar, at codon 841 of the KIF1C protein (p.Thr841Met). This variant is present in population databases (rs780729030, gnomAD 0.07%). This variant has not been reported in the literature in individuals affected with KIF1C-related conditions. ClinVar contains an entry for this variant (Variation ID: 578726). Algorithms developed to predict the effect of missense changes on protein structure and function are either unavailable or do not agree on the potential impact of this missense change (SIFT: "Deleterious"; PolyPhen-2: "Probably Damaging"; Align-GVGD: "Class C0"). In summary, the available evidence is currently insufficient to determine the role of this variant in disease. Therefore, it has been classified as a Variant of Uncertain Significance.